The following is an entry in ClinVar:

NM_018297.4(NGLY1):c.1608C>A (p.His536Gln)

Gene: NGLY1 (N-glycanase 1; minus strand). Cytogenetic location: 3p24.2.
Variant type: single nucleotide variant.
Coding change: c.1608C>A on transcript NM_018297.4 (MANE Select); coding-DNA position 1608, C replaced by A.
Protein change: p.His536Gln; replaces histidine 536 with glutamine.
Molecular consequence: missense variant.
Genome position (GRCh38, 1-based): chr3:25,729,136, G>T on the plus strand (C>A on the coding strand, the complement: NGLY1 is on the minus strand). VCF-style: chr3-25729136-G-T. GRCh37 (hg19) VCF-style: chr3-25770627-G-T.
Other names: p.His536Gln; c.1554C>A, p.His518Gln (NM_001145293.2); c.1482C>A, p.His494Gln (NM_001145294.2); c.1608C>A, p.His536Gln (NM_001145295.2); short protein forms H494Q, H536Q, H518Q.
Identifiers: ClinVar variation 474215 (VCV000474215.17), dbSNP rs138108375, ClinGen allele CA2289118.

ClinVar aggregate classification (germline): Likely benign. Review status: criteria provided, multiple submitters, no conflicts (2 of 4 stars). 3 submissions from 3 submitters: Likely benign (3). Last evaluated 2026-01-28.

Conditions:
Congenital disorder of deglycosylation (CDDG). Identifiers: MedGen C3808991, MONDO:0031376.

Allele frequency attached by ClinVar (database versions not stated): gnomAD 0.00065 and 0.00066; TOPMed 0.00069; ESP Exome Variant Server 0.00092; 1000 Genomes Project 30x 0.00203; 1000 Genomes Project 0.00240.
gnomAD v4.1: 227 of 1,491,402 alleles (0.015%); highest among the groups gnomAD compares: African/African-American, 0.26%; no homozygotes.

Submissions (3):

Labcorp Genetics (formerly Invitae), Labcorp
Classification: Likely benign for Congenital disorder of deglycosylation. Last evaluated: 2026-01-28. Review status: criteria provided, single submitter. Criteria: Invitae Variant Classification Sherloc (09022015). Collection method: clinical testing. Allele origin: germline.

Mayo Clinic Laboratories, Mayo Clinic
Classification: Likely benign. Last evaluated: 2025-10-07. Review status: criteria provided, single submitter. Criteria: ACMG Guidelines, 2015. Collection method: clinical testing. Allele origin: germline. Observed: 1 variant allele.
Comment: BS1, BP4_moderate

GeneDx
Classification: Likely benign. Last evaluated: 2020-12-16. Review status: criteria provided, single submitter. Criteria: GeneDx Variant Classification Process June 2021. Collection method: clinical testing. Allele origin: germline. Affected: yes.